The following is an entry in ClinVar:

NM_019842.4(KCNQ5):c.890C>T (p.Thr297Ile)

Gene: KCNQ5 (potassium voltage-gated channel subfamily Q member 5; plus strand). Cytogenetic location: 6q13.
Variant type: single nucleotide variant.
Coding change: c.890C>T on transcript NM_019842.4 (MANE Select); coding-DNA position 890, C replaced by T.
Protein change: p.Thr297Ile; replaces threonine 297 with isoleucine.
Molecular consequence: missense variant.
Genome position (GRCh38, 1-based): chr6:73,077,859, C>T. VCF-style: chr6-73077859-C-T. GRCh37 (hg19) VCF-style: chr6-73787582-C-T.
Other names: c.890C>T, p.Thr297Ile (NM_001160130.2, NM_001160132.2, NM_001160133.2 and 1 more transcripts); short protein forms T297I.
Identifiers: ClinVar variation 4681013 (VCV004681013.1).

ClinVar aggregate classification (germline): Uncertain significance (1 of 4 stars; one submission).

Submission:

GeneDx
Classification: Uncertain significance. Last evaluated: 2025-07-03. Review status: criteria provided, single submitter. Criteria: GeneDx Variant Classification Process June 2021. Collection method: clinical testing. Allele origin: germline. Affected: yes.
Comment: Not observed at significant frequency in large population cohorts (gnomAD); In silico analysis supports that this missense variant has a deleterious effect on protein structure/function; Has not been previously published as pathogenic or benign to our knowledge